The following is an entry in ClinVar:

NM_001042492.3(NF1):c.389A>G (p.His130Arg)

Gene: NF1 (neurofibromin 1; plus strand). Cytogenetic location: 17q11.2.
Variant type: single nucleotide variant.
Coding change: c.389A>G on transcript NM_001042492.3 (MANE Select); coding-DNA position 389, A replaced by G.
Protein change: p.His130Arg; replaces histidine 130 with arginine.
Molecular consequence: missense variant.
Genome position (GRCh38, 1-based): chr17:31,163,286, A>G. VCF-style: chr17-31163286-A-G. GRCh37 (hg19) VCF-style: chr17-29490304-A-G.
Other names: p.His130Arg; c.389A>G, p.His130Arg (NM_000267.4, NM_001128147.3); short protein forms H130R.
Identifiers: ClinVar variation 457673 (VCV000457673.21), dbSNP rs876660277, ClinGen allele CA398981848.

ClinVar aggregate classification (germline): Conflicting classifications of pathogenicity. Review status: criteria provided, conflicting classifications (1 of 4 stars). 9 submissions from 9 submitters: Uncertain significance (8); Likely benign (1). Last evaluated 2025-11-08.

Conditions:
Hereditary cancer-predisposing syndrome. Also called: Neoplastic Syndromes, Hereditary; Tumor predisposition; Hereditary neoplastic syndrome; Hereditary Cancer Syndrome. Identifiers: Orphanet 140162, MedGen C0027672, MeSH D009386, MONDO:0015356.
Cardiovascular phenotype. Identifiers: MedGen CN230736.
Juvenile myelomonocytic leukemia (JMML). Also called: LEUKEMIA, JUVENILE MYELOMONOCYTIC, SOMATIC. Identifiers: Orphanet 86834, MedGen C0349639, MONDO:0011908, OMIM 607785, HP:0012209.
Neurofibromatosis, type 1 (NF1). Also called: Peripheral type neurofibromatosis; VON RECKLINGHAUSEN DISEASE; NEUROFIBROMATOSIS, TYPE I, SOMATIC; Neurofibromatosis, type I. Identifiers: Orphanet 636, MedGen C0027831, MONDO:0018975, OMIM 162200. Disease mechanism: loss of function.

Allele frequency attached by ClinVar (database versions not stated): TOPMed 0.00001.
gnomAD v4.1: 10 of 1,614,196 alleles (0.00062%); highest among the groups gnomAD compares: Non-Finnish European, 0.00085%; no homozygotes.

Submissions (9):

Ambry Genetics
Classification: Uncertain significance for Cardiovascular phenotype; Hereditary cancer-predisposing syndrome. Last evaluated: 2025-11-08. Review status: criteria provided, single submitter. Criteria: Ambry Variant Classification Scheme 2023. Collection method: clinical testing. Allele origin: germline.

Labcorp Genetics (formerly Invitae), Labcorp
Classification: Likely benign for Neurofibromatosis, type 1. Last evaluated: 2025-10-28. Review status: criteria provided, single submitter. Criteria: Invitae Variant Classification Sherloc (09022015). Collection method: clinical testing. Allele origin: germline.

Mayo Clinic Laboratories, Mayo Clinic
Classification: Uncertain significance. Last evaluated: 2025-01-22. Review status: criteria provided, single submitter. Criteria: ACMG Guidelines, 2015. Collection method: clinical testing. Allele origin: germline. Observed: 1 variant allele.
Comment: PM2_supporting

Baylor Genetics
Classification: Uncertain significance for Juvenile myelomonocytic leukemia. Last evaluated: 2024-03-22. Review status: criteria provided, single submitter. Criteria: ACMG Guidelines, 2015. Collection method: clinical testing. Allele origin: unknown.

GeneDx
Classification: Uncertain significance. Last evaluated: 2023-07-26. Review status: criteria provided, single submitter. Criteria: GeneDx Variant Classification Process June 2021. Collection method: clinical testing. Allele origin: germline. Affected: yes.
Comment: Not observed at significant frequency in large population cohorts (gnomAD); In silico analysis supports that this missense variant has a deleterious effect on protein structure/function; Has not been previously published as pathogenic or benign to our knowledge

Genome-Nilou Lab
Classification: Uncertain significance for Neurofibromatosis, type 1. Last evaluated: 2022-03-15. Review status: criteria provided, single submitter. Criteria: ACMG Guidelines, 2015. Collection method: clinical testing. Allele origin: germline. Affected: no.

Women's Health and Genetics/Laboratory Corporation of America, LabCorp
Classification: Uncertain significance. Last evaluated: 2020-08-10. Review status: criteria provided, single submitter. Criteria: LabCorp Variant Classification Summary - May 2015. Collection method: clinical testing. Allele origin: germline.
Comment: Variant summary: NF1 c.389A>G (p.His130Arg) results in a non-conservative amino acid change in the encoded protein sequence. Three of five in-silico tools predict a benign effect of the variant on protein function. The variant was absent in 251296 control chromosomes (gnomAD). The available data on variant occurrences in the general population are insufficient to allow any conclusion about variant significance. To our knowledge, no occurrence of c.389A>G in individuals affected with Neurofibromatosis Type 1 and no experimental evidence demonstrating its impact on protein function have been reported. Co-occurrence with another pathogenic variant has been reported (PTPN11 c.181G>A, p.Asp61Asn; in an internal LCA sample), providing supporting evidence for a benign role. Three clinical diagnostic laboratories have submitted clinical-significance assessments for this variant to ClinVar after 2014 without evidence for independent evaluation. All laboratories classified the variant as uncertain significance. Based on the evidence outlined above, the variant was classified as uncertain significance.

Blueprint Genetics
Classification: Uncertain significance. Last evaluated: 2020-08-06. Review status: criteria provided, single submitter. Criteria: ACMG Guidelines, 2015. Collection method: clinical testing. Allele origin: germline.

Johns Hopkins Genomics, Johns Hopkins University
Classification: Uncertain significance for Neurofibromatosis, type 1. Last evaluated: 2020-03-31. Review status: criteria provided, single submitter. Criteria: ACMG Guidelines, 2015. Collection method: clinical testing. Allele origin: germline.
Comment: This NF1 variant is absent from a large population dataset and has not been reported in the literature, to our knowledge. Two submitters in ClinVar classify c.389A>G as a variant of uncertain clinical significance. Three bioinformatic tools queried predict that this substitution would be tolerated, and the histidine residue at this position is highly evolutionarily conserved across most species assessed. Due to insufficient evidence, we consider the clinical significance of c.389A>G to be uncertain at this time.

Literature cited by the submitters: PubMed 10678181 (cited by Women's Health and Genetics/Laboratory Corporation of America, LabCorp); PubMed 23460398 (cited by Women's Health and Genetics/Laboratory Corporation of America, LabCorp); PubMed 29872168 (cited by Women's Health and Genetics/Laboratory Corporation of America, LabCorp); PubMed 27069254 (cited by Women's Health and Genetics/Laboratory Corporation of America, LabCorp).